The following is an entry in ClinVar:

NM_003776.4(MRPL40):c.494A>T (p.Asp165Val)

Gene: MRPL40 (mitochondrial ribosomal protein L40; plus strand). Cytogenetic location: 22q11.21.
Variant type: single nucleotide variant.
Coding change: c.494A>T on transcript NM_003776.4 (MANE Select); coding-DNA position 494, A replaced by T.
Protein change: p.Asp165Val; replaces aspartic acid 165 with valine.
Molecular consequence: missense variant.
Genome position (GRCh38, 1-based): chr22:19,435,835, A>T. VCF-style: chr22-19435835-A-T. GRCh37 (hg19) VCF-style: chr22-19423358-A-T.
Other names: c.362A>T, p.Asp121Val (NM_001318151.2); short protein forms D121V, D165V.
Identifiers: ClinVar variation 2416866 (VCV002416866.6), dbSNP rs773139670, ClinGen allele CA10100240.

ClinVar aggregate classification (germline): Uncertain significance (1 of 4 stars; one submission).

Allele frequency attached by ClinVar (database versions not stated): gnomAD 0.00002; gnomAD exomes 0.00002; TOPMed 0.00002; ExAC 0.00003.
gnomAD v4.1: 16 of 1,614,084 alleles (0.00099%); highest among the groups gnomAD compares: Admixed American, 0.027%; no homozygotes.

Submission:

Labcorp Genetics (formerly Invitae), Labcorp
Classification: Uncertain significance. Last evaluated: 2022-07-18. Review status: criteria provided, single submitter. Criteria: Invitae Variant Classification Sherloc (09022015). Collection method: clinical testing. Allele origin: germline.
Comment: In summary, the available evidence is currently insufficient to determine the role of this variant in disease. Therefore, it has been classified as a Variant of Uncertain Significance. Algorithms developed to predict the effect of missense changes on protein structure and function are either unavailable or do not agree on the potential impact of this missense change (SIFT: "Not Available"; PolyPhen-2: "Probably Damaging"; Align-GVGD: "Not Available"). This variant has not been reported in the literature in individuals affected with MRPL40-related conditions. This variant is present in population databases (rs773139670, gnomAD 0.04%). This sequence change replaces aspartic acid, which is acidic and polar, with valine, which is neutral and non-polar, at codon 165 of the MRPL40 protein (p.Asp165Val).